The following is an entry in ClinVar:

NM_032634.4(PIGO):c.629G>A (p.Gly210Asp)

Gene: PIGO (phosphatidylinositol glycan anchor biosynthesis class O; minus strand). Cytogenetic location: 9p13.3.
Variant type: single nucleotide variant.
Coding change: c.629G>A on transcript NM_032634.4 (MANE Select); coding-DNA position 629, G replaced by A.
Protein change: p.Gly210Asp; replaces glycine 210 with aspartic acid.
Molecular consequence: missense variant.
Genome position (GRCh38, 1-based): chr9:35,094,242, C>T on the plus strand (G>A on the coding strand, the complement: PIGO is on the minus strand). VCF-style: chr9-35094242-C-T. GRCh37 (hg19) VCF-style: chr9-35094239-C-T.
Other names: c.629G>A, p.Gly210Asp (NM_001201484.2, NM_152850.4); short protein forms G210D.
Identifiers: ClinVar variation 1461611 (VCV001461611.6), dbSNP rs2131081522, ClinGen allele CA373323866.

ClinVar aggregate classification (germline): Uncertain significance (1 of 4 stars; one submission).

Conditions:
Hyperphosphatasia with impaired intellectual development syndrome 2. Also called: Hyperphosphatasia with intellectual disability syndrome 2; GLYCOSYLPHOSPHATIDYLINOSITOL BIOSYNTHESIS DEFECT 6. Identifiers: Orphanet 247262, MedGen C3553637, MONDO:0013882, OMIM 614749.

Allele frequency attached by ClinVar (database versions not stated): gnomAD exomes 0.00001.

Submission:

Labcorp Genetics (formerly Invitae), Labcorp
Classification: Uncertain significance for Hyperphosphatasia with impaired intellectual development syndrome 2. Last evaluated: 2022-02-28. Review status: criteria provided, single submitter. Criteria: Invitae Variant Classification Sherloc (09022015). Collection method: clinical testing. Allele origin: germline.
Comment: In summary, the available evidence is currently insufficient to determine the role of this variant in disease. Therefore, it has been classified as a Variant of Uncertain Significance. Algorithms developed to predict the effect of missense changes on protein structure and function are either unavailable or do not agree on the potential impact of this missense change (SIFT: "Tolerated"; PolyPhen-2: "Probably Damaging"; Align-GVGD: "Class C0"). This variant has not been reported in the literature in individuals affected with PIGO-related conditions. This variant is not present in population databases (gnomAD no frequency). This sequence change replaces glycine, which is neutral and non-polar, with aspartic acid, which is acidic and polar, at codon 210 of the PIGO protein (p.Gly210Asp).